The following is an entry in ClinVar:

ClinVar aggregate classification (germline): Pathogenic (1 of 4 stars; one submission).

Conditions:
Bloom syndrome (BLM). Also called: Bloom-Torre-Machacek syndrome. Identifiers: Orphanet 125, MedGen C0005859, MONDO:0008876, OMIM 210900.

Submission:

Labcorp Genetics (formerly Invitae), Labcorp
Classification: Pathogenic for Bloom syndrome. Last evaluated: 2022-02-03. Review status: criteria provided, single submitter. Criteria: Invitae Variant Classification Sherloc (09022015). Collection method: clinical testing. Allele origin: germline.
Comment: This variant has not been reported in the literature in individuals affected with BLM-related conditions. For these reasons, this variant has been classified as Pathogenic. This sequence change creates a premature translational stop signal (p.Lys1335*) in the BLM gene. It is expected to result in an absent or disrupted protein product. Loss-of-function variants in BLM are known to be pathogenic (PMID: 17407155). Information on the frequency of this variant in the gnomAD database is not available, as this variant may be reported differently in the database.

Literature cited by the submitters: PubMed 17407155.

NM_000057.4(BLM):c.4002_4003delinsAT (p.Lys1335Ter)

Gene: BLM (BLM RecQ like helicase; plus strand). Cytogenetic location: 15q26.1.
Variant type: Indel.
Coding change: c.4002_4003delinsAT on transcript NM_000057.4 (MANE Select); coding-DNA positions 4002 to 4003, GA replaced by AT.
Protein change: p.Lys1335Ter; replaces lysine 1335 with a stop codon.
Molecular consequence: nonsense.
Genome position (GRCh38, 1-based): chr15:90,811,332-90,811,333, GA replaced by AT. VCF-style: chr15-90811332-GA-AT. GRCh37 (hg19) VCF-style: chr15-91354562-GA-AT.
Other names: c.4002_4003delinsAT, p.Lys1335Ter (NM_001287246.2); c.3609_3610delinsAT, p.Lys1204Ter (NM_001287247.2); c.2877_2878delinsAT, p.Lys960Ter (NM_001287248.2); short protein forms K1204*, K1335*, K960*.
Identifiers: ClinVar variation 2092445 (VCV002092445.4), dbSNP rs2505567330, ClinGen allele CA2580090281.